The following is an entry in ClinVar:

NM_000093.5(COL5A1):c.3906+15G>C

Gene: COL5A1 (collagen type V alpha 1 chain; plus strand). Cytogenetic location: 9q34.3.
Variant type: single nucleotide variant.
Coding change: c.3906+15G>C on transcript NM_000093.5 (MANE Select); 15 bases into the intron after coding-DNA position 3906, G replaced by C.
Molecular consequence: intron variant.
Genome position (GRCh38, 1-based): chr9:134,814,051, G>C. VCF-style: chr9-134814051-G-C. GRCh37 (hg19) VCF-style: chr9-137705897-G-C.
Other names: c.3906+15G>C (NM_001278074.1).
Identifiers: ClinVar variation 365724 (VCV000365724.13), dbSNP rs370937109, ClinGen allele CA5320070.

ClinVar aggregate classification (germline): Benign/Likely benign. Review status: criteria provided, multiple submitters, no conflicts (2 of 4 stars). 6 submissions from 5 submitters: Benign (4); Likely benign (2). Last evaluated 2026-01-27.

Conditions:
Ehlers-Danlos syndrome, classic type (cEDS). Identifiers: Orphanet 287, MedGen C4225429, MONDO:0007522.
Ehlers-Danlos syndrome, classic type, 1 (EDSCL1). Also called: Ehlers-Danlos syndrome, type 1; EHLERS-DANLOS SYNDROME, GRAVIS TYPE; EHLERS-DANLOS SYNDROME, SEVERE CLASSIC TYPE; Ehlers-Danlos Syndrome, Classic Type, COL5A1-Related; EDS I. Identifiers: MedGen C0268335, MONDO:0019567, OMIM 130000.
Fibromuscular dysplasia, multifocal. Identifiers: MedGen C5543412, MONDO:0859151, OMIM 619329.

Allele frequency attached by ClinVar (database versions not stated): TOPMed 0.00007; 1000 Genomes Project 0.00060; 1000 Genomes Project 30x 0.00062.
gnomAD v4.1: 1,428 of 1,550,424 alleles (0.092%); highest among the groups gnomAD compares: Non-Finnish European, 0.0031%; 19 homozygotes.

Submissions (6):

Labcorp Genetics (formerly Invitae), Labcorp
Classification: Benign for Ehlers-Danlos syndrome, classic type, 1. Last evaluated: 2026-01-27. Review status: criteria provided, single submitter. Criteria: Invitae Variant Classification Sherloc (09022015). Collection method: clinical testing. Allele origin: germline.

Blueprint Genetics
Classification: Likely benign. Last evaluated: 2024-11-21. Review status: criteria provided, single submitter. Criteria: ACMG Guidelines, 2015. Collection method: clinical testing. Allele origin: germline.

Genome-Nilou Lab
Classification: Benign for Ehlers-Danlos syndrome, classic type, 1. Last evaluated: 2022-03-15. Review status: criteria provided, single submitter. Criteria: ACMG Guidelines, 2015. Collection method: clinical testing. Allele origin: germline. Affected: no.

Genome-Nilou Lab
Classification: Benign for Fibromuscular dysplasia, multifocal. Last evaluated: 2022-03-15. Review status: criteria provided, single submitter. Criteria: ACMG Guidelines, 2015. Collection method: clinical testing. Allele origin: germline. Affected: no.

Illumina Laboratory Services, Illumina
Classification: Benign for Ehlers-Danlos syndrome, classic type, 1. Last evaluated: 2018-01-12. Review status: criteria provided, single submitter. Criteria: ICSL Variant Classification Criteria 13 December 2019. Collection method: clinical testing. Allele origin: germline.
Comment: This variant was observed in the ICSL laboratory as part of a predisposition screen in an ostensibly healthy population. It had not been previously curated by ICSL or reported in the Human Gene Mutation Database (HGMD: prior to June 1st, 2018), and was therefore a candidate for classification through an automated scoring system. Utilizing variant allele frequency, disease prevalence and penetrance estimates, and inheritance mode, an automated score was calculated to assess if this variant is too frequent to cause the disease. Based on the score and internal cut-off values, a variant classified as benign is not then subjected to further curation. The score for this variant resulted in a classification of benign for this disease.

GeneDx
Classification: Likely benign. Last evaluated: 2016-11-22. Review status: criteria provided, single submitter. Criteria: GeneDx Variant Classification (06012015). Collection method: clinical testing. Allele origin: germline. Affected: yes.
Comment: This variant is considered likely benign or benign based on one or more of the following criteria: it is a conservative change, it occurs at a poorly conserved position in the protein, it is predicted to be benign by multiple in silico algorithms, and/or has population frequency not consistent with disease.